The following is an entry in ClinVar:

ClinVar aggregate classification (germline): Likely benign (1 of 4 stars; one submission).

Allele frequency attached by ClinVar (database versions not stated): TOPMed below 0.00001.

Submission:

CeGaT Center for Human Genetics Tuebingen
Classification: Likely benign. Last evaluated: 2023-05-01. Review status: criteria provided, single submitter. Criteria: CeGaT Center For Human Genetics Tuebingen Variant Classification Criteria Version 2. Collection method: clinical testing. Allele origin: germline. Affected: yes. Observed: 1 variant allele.
Comment: PTGER1: BP4, BP7

NM_000955.3(PTGER1):c.273G>T (p.Pro91=)

Gene: PTGER1 (prostaglandin E receptor 1; minus strand). Cytogenetic location: 19p13.12.
Variant type: single nucleotide variant.
Coding change: c.273G>T on transcript NM_000955.3 (MANE Select); coding-DNA position 273, G replaced by T.
Protein change: p.Pro91=; no amino-acid change (proline 91 retained).
Molecular consequence: synonymous variant.
Genome position (GRCh38, 1-based): chr19:14,474,048, C>A on the plus strand (G>T on the coding strand, the complement: PTGER1 is on the minus strand). VCF-style: chr19-14474048-C-A. GRCh37 (hg19) VCF-style: chr19-14584860-C-A.
Identifiers: ClinVar variation 2649423 (VCV002649423.24), dbSNP rs1390260305, ClinGen allele CA505797360.